The following is an entry in ClinVar:

NM_004360.5(CDH1):c.2031del (p.Gln677_Val678insTer)

Gene: CDH1 (cadherin 1; plus strand). Cytogenetic location: 16q22.1.
Variant type: Deletion.
Coding change: c.2031del on transcript NM_004360.5 (MANE Select); coding-DNA position 2031, one base deleted (A; older notation c.2031delA).
Protein change: p.Gln677_Val678insTer.
Molecular consequence: frameshift variant.
Genome position (GRCh38, 1-based): chr16:68,823,493, A deleted; the last of 2 consecutive A bases (chr16:68,823,492-68,823,493); deleting either gives the same sequence. VCF-style (leftmost placement, unchanged base first): chr16-68823491-CA-C. GRCh37 (hg19) VCF-style: chr16-68857394-CA-C.
Other names: c.1848del, p.Gln616_Val617insTer (NM_001317184.2); c.483del, p.Gln161_Val162insTer (NM_001317185.2); c.66del, p.Gln22_Val23insTer (NM_001317186.2).
Identifiers: ClinVar variation 2502987 (VCV002502987.1), dbSNP rs2543945614, ClinGen allele CA2580612883.
Genomic context (GRCh38, chr16:68,823,491, plus strand): 5'-GCCTTAGAGGTGGGTGACTACAAAATCAATCTCAAGCTCATGGATAACCAGAATAAAGAC[CA>C]AGTGACCACCTTAGAGGTCAGCGTGTGTGACTGTGAAGGGGCCGCTGGCGTCTGTAGGAA-3'

ClinVar aggregate classification (germline): Pathogenic (1 of 4 stars; one submission).

Conditions:
Hereditary diffuse gastric adenocarcinoma (HDGC). Also called: DIFFUSE GASTRIC AND LOBULAR BREAST CANCER SYNDROME. Identifiers: Orphanet 26106, MedGen C1708349, MONDO:0007648, OMIM 137215.

Submission:

European Reference Network on Genetic Tumour Risk Syndromes (ERN-GENTURIS), i3s - Instituto de Investigação e Inovação em Saúde, University of Porto
Classification: Pathogenic for Hereditary diffuse gastric adenocarcinoma. Last evaluated: 2022-08-01. Review status: criteria provided, single submitter. Criteria: Lee et al. (Hum Mutat. 2018). Collection method: clinical testing. Allele origin: germline. Inheritance: Autosomal dominant inheritance. Affected: yes. Study: ERN GENTURIS.
Comment: PVS1; PS4_Supporting; PM2 (PMID: 30311375)

Literature cited by the submitters: PubMed 36436516.